The following is an entry in ClinVar:

ClinVar aggregate classification (germline): Uncertain significance (1 of 4 stars; one submission).

Submission:

GeneDx
Classification: Uncertain significance. Last evaluated: 2024-12-11. Review status: criteria provided, single submitter. Criteria: GeneDx Variant Classification Process June 2021. Collection method: clinical testing. Allele origin: germline. Affected: yes.
Comment: Not observed at significant frequency in large population cohorts (gnomAD); In silico analysis indicates that this missense variant does not alter protein structure/function; Has not been previously published as pathogenic or benign to our knowledge

NM_000188.3(HK1):c.2031T>G (p.Ile677Met)

Gene: HK1 (hexokinase 1; plus strand). Cytogenetic location: 10q22.1.
Variant type: single nucleotide variant.
Coding change: c.2031T>G on transcript NM_000188.3 (MANE Select); coding-DNA position 2031, T replaced by G.
Protein change: p.Ile677Met; replaces isoleucine 677 with methionine.
Molecular consequence: missense variant.
Genome position (GRCh38, 1-based): chr10:69,389,292, T>G. VCF-style: chr10-69389292-T-G. GRCh37 (hg19) VCF-style: chr10-71149048-T-G.
Other names: c.2043T>G, p.Ile681Met (NM_001322364.2, NM_001358263.1, NM_033497.3 and 1 more transcripts); c.2136T>G, p.Ile712Met (NM_001322365.2); c.1947T>G, p.Ile649Met (NM_001322366.1); c.1935T>G, p.Ile645Met (NM_001322367.1); c.2028T>G, p.Ile676Met (NM_033496.3); c.1995T>G, p.Ile665Met (NM_033500.2); short protein forms I645M, I649M, I665M, I676M, I677M, I681M, I712M.
Identifiers: ClinVar variation 3902964 (VCV003902964.1).